The following is an entry in ClinVar:

ClinVar aggregate classification (germline): Uncertain significance (1 of 4 stars; one submission).

Conditions:
Mitochondrial complex II deficiency, nuclear type 1. Also called: SUCCINATE CoQ REDUCTASE DEFICIENCY. Identifiers: Orphanet 3208, MedGen C5700310, MONDO:0100294, OMIM 252011.
Pheochromocytoma/paraganglioma syndrome 5. Also called: Paragangliomas 5; SDHA-Related Hereditary Paraganglioma-Pheochromocytoma Syndrome. Identifiers: Orphanet 29072, MedGen C3279992, MONDO:0013602, OMIM 614165.

Submission:

Labcorp Genetics (formerly Invitae), Labcorp
Classification: Uncertain significance for Pheochromocytoma/paraganglioma syndrome 5; Mitochondrial complex II deficiency, nuclear type 1. Last evaluated: 2024-05-08. Review status: criteria provided, single submitter. Criteria: Invitae Variant Classification Sherloc (09022015). Collection method: clinical testing. Allele origin: germline.
Comment: This sequence change replaces histidine, which is basic and polar, with leucine, which is neutral and non-polar, at codon 407 of the SDHA protein (p.His407Leu). This variant is not present in population databases (gnomAD no frequency). This variant has not been reported in the literature in individuals affected with SDHA-related conditions. ClinVar contains an entry for this variant (Variation ID: 1019057). Advanced modeling of protein sequence and biophysical properties (such as structural, functional, and spatial information, amino acid conservation, physicochemical variation, residue mobility, and thermodynamic stability) performed at Invitae indicates that this missense variant is expected to disrupt SDHA protein function with a positive predictive value of 95%. In summary, the available evidence is currently insufficient to determine the role of this variant in disease. Therefore, it has been classified as a Variant of Uncertain Significance.

NM_004168.4(SDHA):c.1220A>T (p.His407Leu)

Gene: SDHA (succinate dehydrogenase complex flavoprotein subunit A; plus strand). Cytogenetic location: 5p15.33.
Variant type: single nucleotide variant.
Coding change: c.1220A>T on transcript NM_004168.4 (MANE Select); coding-DNA position 1220, A replaced by T.
Protein change: p.His407Leu; replaces histidine 407 with leucine.
Molecular consequence: missense variant.
Genome position (GRCh38, 1-based): chr5:235,299, A>T. VCF-style: chr5-235299-A-T. GRCh37 (hg19) VCF-style: chr5-235414-A-T.
Other names: c.1076A>T, p.His359Leu (NM_001294332.2); c.1220A>T, p.His407Leu (NM_001330758.2); short protein forms H359L, H407L.
Identifiers: ClinVar variation 1019057 (VCV001019057.9), dbSNP rs374087393, ClinGen allele CA359013694.